The following is an entry in ClinVar:

ClinVar aggregate classification (germline): Uncertain significance (1 of 4 stars; one submission).

Allele frequency attached by ClinVar (database versions not stated): TOPMed below 0.00001; gnomAD 0.00001; gnomAD exomes 0.00002.
gnomAD v4.1: 25 of 1,612,606 alleles (0.0016%); highest among the groups gnomAD compares: Non-Finnish European, 0.0019%; no homozygotes.

Submission:

Labcorp Genetics (formerly Invitae), Labcorp
Classification: Uncertain significance. Last evaluated: 2023-09-05. Review status: criteria provided, single submitter. Criteria: Invitae Variant Classification Sherloc (09022015). Collection method: clinical testing. Allele origin: germline.
Comment: This sequence change replaces methionine, which is neutral and non-polar, with valine, which is neutral and non-polar, at codon 904 of the TOP2B protein (p.Met904Val). This variant is present in population databases (no rsID available, gnomAD 0.009%). This variant has not been reported in the literature in individuals affected with TOP2B-related conditions. An algorithm developed to predict the effect of missense changes on protein structure and function (PolyPhen-2) suggests that this variant is likely to be disruptive. In summary, the available evidence is currently insufficient to determine the role of this variant in disease. Therefore, it has been classified as a Variant of Uncertain Significance.

NM_001330700.2(TOP2B):c.2725A>G (p.Met909Val)

Gene: TOP2B (DNA topoisomerase II beta; minus strand). Cytogenetic location: 3p24.2.
Variant type: single nucleotide variant.
Coding change: c.2725A>G on transcript NM_001330700.2 (MANE Select); coding-DNA position 2725, A replaced by G.
Protein change: p.Met909Val; replaces methionine 909 with valine.
Molecular consequence: missense variant.
Genome position (GRCh38, 1-based): chr3:25,623,517, T>C on the plus strand (A>G on the coding strand, the complement: TOP2B is on the minus strand). VCF-style: chr3-25623517-T-C. GRCh37 (hg19) VCF-style: chr3-25665008-T-C.
Other names: c.2710A>G, p.Met904Val (NM_001068.3); short protein forms M909V, M904V.
Identifiers: ClinVar variation 2994966 (VCV002994966.3), dbSNP rs1440295926, ClinGen allele CA351900325.